The following is an entry in ClinVar:

ClinVar aggregate classification (germline): Uncertain significance (1 of 4 stars; one submission).

Submission:

Dasa
Classification: Uncertain significance. Last evaluated: 2025-06-09. Review status: criteria provided, single submitter. Criteria: DASA Assertion Criteria. Collection method: clinical testing. Allele origin: germline.
Comment: NM_004187.5(KDM5C):c.4207A>G (p.Met1403Val) is a missense variant that results in the substitution of methionine with valine. This variant is rare in population databases. Computational prediction algorithms are consistent with a benign effect. The currently available literature and clinical evidence are not sufficient to establish a definitive association between this variant and the reported condition. Therefore, this variant is classified as a variant of uncertain significance.

NM_004187.5(KDM5C):c.4207A>G (p.Met1403Val)

Gene: KDM5C (lysine demethylase 5C; minus strand). Cytogenetic location: Xp11.22.
Variant type: single nucleotide variant.
Coding change: c.4207A>G on transcript NM_004187.5 (MANE Select); coding-DNA position 4207, A replaced by G.
Protein change: p.Met1403Val; replaces methionine 1403 with valine.
Molecular consequence: missense variant. On other transcripts: non-coding transcript variant (3).
Genome position (GRCh38, 1-based): chrX:53,193,547, T>C on the plus strand (A>G on the coding strand, the complement: KDM5C is on the minus strand). VCF-style: chrX-53193547-T-C. GRCh37 (hg19) VCF-style: chrX-53222729-T-C.
Other names: c.3997A>G, p.Met1333Val (NM_001146702.2); c.4204A>G, p.Met1402Val (NM_001282622.3, NM_001353979.2); c.4198A>G, p.Met1400Val (NM_001353978.3, NM_001353981.2, NM_001353984.2); c.4195A>G, p.Met1399Val (NM_001353982.2); short protein forms M1333V, M1399V, M1400V, M1402V, M1403V.
Identifiers: ClinVar variation 4882371 (VCV004882371.2).
Genomic context (GRCh38, chrX:53,193,547, plus strand): 5'-GCAGCTGCCATATGCTGTGGTTCTCATCCAGGGTCACCTCGAGCAGGTCCCCCTCCATCA[T>C]GAGCTCCTCCAAGGGGGCCCGGGTTGCCTCAGGCAGTTCCAACACAGGGCCAGTCAACTG-3'
Protein context (NP_004178.2, residues 1393-1413): EATRAPLEEL[Met1403Val]MEGDLLEVTL